The following is an entry in ClinVar:

ClinVar aggregate classification (germline): Uncertain significance (1 of 4 stars; one submission).

Conditions:
Cardiovascular phenotype. Identifiers: MedGen CN230736.

Submission:

Ambry Genetics
Classification: Uncertain significance for Cardiovascular phenotype. Last evaluated: 2026-05-14. Review status: criteria provided, single submitter. Criteria: Ambry Variant Classification Scheme 2023. Collection method: clinical testing. Allele origin: germline.
Comment: The p.I861M variant (also known as c.2583C>G), located in coding exon 16 of the CBL gene, results from a C to G substitution at nucleotide position 2583. The isoleucine at codon 861 is replaced by methionine, an amino acid with highly similar properties. This amino acid position is conserved. In addition, the in silico prediction for this alteration is inconclusive. Based on the available evidence, the clinical significance of this variant remains unclear.

NM_005188.4(CBL):c.2583C>G (p.Ile861Met)

Gene: CBL (Cbl proto-oncogene; plus strand). Cytogenetic location: 11q23.3.
Variant type: single nucleotide variant.
Coding change: c.2583C>G on transcript NM_005188.4 (MANE Select); coding-DNA position 2583, C replaced by G.
Protein change: p.Ile861Met; replaces isoleucine 861 with methionine.
Molecular consequence: missense variant.
Genome position (GRCh38, 1-based): chr11:119,299,643, C>G. VCF-style: chr11-119299643-C-G. GRCh37 (hg19) VCF-style: chr11-119170353-C-G.
Other names: short protein forms I861M.
Identifiers: ClinVar variation 4868252 (VCV004868252.1).